The following is an entry in ClinVar:

ClinVar aggregate classification (germline): Likely benign. Review status: criteria provided, multiple submitters, no conflicts (2 of 4 stars). 3 submissions from 3 submitters: Likely benign (3). Last evaluated 2025-03-11.

Conditions:
Hereditary cancer-predisposing syndrome. Also called: Neoplastic Syndromes, Hereditary; Hereditary Cancer Syndrome; Tumor predisposition; Hereditary neoplastic syndrome. Identifiers: Orphanet 140162, MedGen C0027672, MeSH D009386, MONDO:0015356.
Familial cancer of breast. Also called: Hereditary breast cancer; BREAST CANCER, FAMILIAL; hereditary breast carcinoma. Identifiers: Orphanet 227535, MedGen C0346153, MONDO:0016419, OMIM 114480. Disease mechanism: loss of function.

Allele frequency attached by ClinVar (database versions not stated): gnomAD exomes below 0.00001 and 0.00002; ExAC 0.00001.
gnomAD v4.1: 4 of 1,567,144 alleles (0.00026%); highest among the groups gnomAD compares: East Asian, 0.009%; no homozygotes.

Submissions (3):

Labcorp Genetics (formerly Invitae), Labcorp
Classification: Likely benign for Familial cancer of breast. Last evaluated: 2025-03-11. Review status: criteria provided, single submitter. Criteria: Invitae Variant Classification Sherloc (09022015). Collection method: clinical testing. Allele origin: germline.

Myriad Genetics, Inc.
Classification: Likely benign for Familial cancer of breast. Last evaluated: 2025-01-21. Review status: criteria provided, single submitter. Criteria: Myriad Autosomal Dominant, Autosomal Recessive and X-Linked Classification Criteria (2023). Collection method: clinical testing. Allele origin: unknown.
Comment: This variant is considered likely benign. This variant is intronic and is not expected to impact mRNA splicing.

Color Diagnostics, LLC DBA Color Health
Classification: Likely benign for Hereditary cancer-predisposing syndrome. Last evaluated: 2017-01-09. Review status: criteria provided, single submitter. Criteria: ACMG Guidelines, 2015. Collection method: clinical testing. Allele origin: germline.

NM_024675.4(PALB2):c.3114-10G>A

Gene: PALB2 (partner and localizer of BRCA2; minus strand). Cytogenetic location: 16p12.2.
Variant type: single nucleotide variant.
Coding change: c.3114-10G>A on transcript NM_024675.4 (MANE Select); 10 bases into the intron before coding-DNA position 3114, G replaced by A.
Molecular consequence: intron variant.
Genome position (GRCh38, 1-based): chr16:23,614,101, C>T on the plus strand (G>A on the coding strand, the complement: PALB2 is on the minus strand). VCF-style: chr16-23614101-C-T. GRCh37 (hg19) VCF-style: chr16-23625422-C-T.
Identifiers: ClinVar variation 927506 (VCV000927506.12), dbSNP rs756415176, ClinGen allele CA7963419.